The following is an entry in ClinVar:

ClinVar aggregate classification (germline): Uncertain significance (1 of 4 stars; one submission).

Submission:

Labcorp Genetics (formerly Invitae), Labcorp
Classification: Uncertain significance. Last evaluated: 2022-08-02. Review status: criteria provided, single submitter. Criteria: Invitae Variant Classification Sherloc (09022015). Collection method: clinical testing. Allele origin: germline.
Comment: This sequence change replaces threonine, which is neutral and polar, with alanine, which is neutral and non-polar, at codon 1040 of the AP3B2 protein (p.Thr1040Ala). This variant is not present in population databases (gnomAD no frequency). This variant has not been reported in the literature in individuals affected with AP3B2-related conditions. Algorithms developed to predict the effect of missense changes on protein structure and function are either unavailable or do not agree on the potential impact of this missense change (SIFT: "Deleterious"; PolyPhen-2: "Benign"; Align-GVGD: "Class C0"). In summary, the available evidence is currently insufficient to determine the role of this variant in disease. Therefore, it has been classified as a Variant of Uncertain Significance.

NM_001278512.2(AP3B2):c.3175A>G (p.Thr1059Ala)

Genes: AP3B2 (adaptor related protein complex 3 subunit beta 2; minus strand), CPEB1-AS1 (CPEB1 antisense RNA 1; plus strand). Cytogenetic location: 15q25.2.
Variant type: single nucleotide variant.
Coding change: c.3175A>G on transcript NM_001278512.2 (MANE Select); coding-DNA position 3175, A replaced by G.
Protein change: p.Thr1059Ala; replaces threonine 1059 with alanine.
Molecular consequence: missense variant.
Genome position (GRCh38, 1-based): chr15:82,659,691, T>C on the plus strand (A>G on the coding strand, the complement: AP3B2 is on the minus strand). VCF-style: chr15-82659691-T-C. GRCh37 (hg19) VCF-style: chr15-83328443-T-C.
Other names: c.3022A>G, p.Thr1008Ala (NM_001278511.2); c.307A>G, p.Thr103Ala (NM_001348441.2); c.3118A>G, p.Thr1040Ala (NM_004644.5); short protein forms T1059A, T1008A, T1040A, T103A.
Identifiers: ClinVar variation 1955395 (VCV001955395.5), dbSNP rs1479778877, ClinGen allele CA393305494.
Genomic context (GRCh38, chr15:82,659,691, plus strand): 5'-TCAGCTGGGCAGCTCCAGCTGGCCGGGCATCCAGGGTCAGCAGAACGAGGCTTCCACCAG[T>C]CAGTGTCCTCCCTGCAAACCTGAGGTGGGAATAGAAGGGGTGAGGAAGAGCTGCTAAGGG-3'
Protein context (NP_001265441.1, residues 1049-1069): DEYRFAGRTL[Thr1059Ala]GGSLVLLTLD